The following is an entry in ClinVar:

ClinVar aggregate classification (germline): Benign/Likely benign. Review status: criteria provided, multiple submitters, no conflicts (2 of 4 stars). 14 submissions from 14 submitters: Benign (10); Likely benign (1). 3 of the submissions do not count toward it. Last evaluated 2026-02-04.

Conditions:
Primary ciliary dyskinesia. Also called: Ciliary dyskinesia. Identifiers: Orphanet 244, MedGen C0008780, MONDO:0016575, HP:0012265.
Primary ciliary dyskinesia 3. Identifiers: Orphanet 244, MedGen C1837618, MONDO:0012085, OMIM 608644.

Allele frequency attached by ClinVar (database versions not stated): gnomAD exomes 0.31572 and 0.36736; ExAC 0.36913; ESP Exome Variant Server 0.39051; gnomAD 0.39883 and 0.40004; TOPMed 0.41459; 1000 Genomes Project 30x 0.49735; 1000 Genomes Project 0.50060.
gnomAD v4.1: 523,261 of 1,613,668 alleles (32%); highest among the groups gnomAD compares: East Asian, 69%; 92,045 homozygotes.

Submissions (14):

Labcorp Genetics (formerly Invitae), Labcorp
Classification: Benign for Primary ciliary dyskinesia. Last evaluated: 2026-02-04. Review status: criteria provided, single submitter. Criteria: Invitae Variant Classification Sherloc (09022015). Collection method: clinical testing. Allele origin: germline.

Blueprint Genetics
Classification: Likely benign. Last evaluated: 2024-11-26. Review status: criteria provided, single submitter. Criteria: ACMG Guidelines, 2015. Collection method: clinical testing. Allele origin: germline.

Mayo Clinic Laboratories, Mayo Clinic
Classification: Benign. Last evaluated: 2022-04-26. Review status: criteria provided, single submitter. Criteria: ACMG Guidelines, 2015. Collection method: clinical testing. Allele origin: germline. Observed: 107 variant alleles.

Genome-Nilou Lab
Classification: Benign for Primary ciliary dyskinesia 3. Last evaluated: 2021-07-30. Review status: criteria provided, single submitter. Criteria: ACMG Guidelines, 2015. Collection method: clinical testing. Allele origin: germline. Affected: no.

Pars Genome Lab
Classification: Benign for Primary ciliary dyskinesia 3. Last evaluated: 2021-06-15. Review status: criteria provided, single submitter. Criteria: ACMG Guidelines, 2015. Collection method: clinical testing. Allele origin: germline. Affected: no.

GeneDx
Classification: Benign. Last evaluated: 2018-11-10. Review status: criteria provided, single submitter. Criteria: GeneDx Variant Classification Process June 2021. Collection method: clinical testing. Allele origin: germline. Affected: yes.

Illumina Laboratory Services, Illumina
Classification: Benign for Primary ciliary dyskinesia 3. Last evaluated: 2018-01-13. Review status: criteria provided, single submitter. Criteria: ICSL Variant Classification Criteria 13 December 2019. Collection method: clinical testing. Allele origin: germline.
Comment: This variant was observed in the ICSL laboratory as part of a predisposition screen in an ostensibly healthy population. It had not been previously curated by ICSL or reported in the Human Gene Mutation Database (HGMD: prior to June 1st, 2018), and was therefore a candidate for classification through an automated scoring system. Utilizing variant allele frequency, disease prevalence and penetrance estimates, and inheritance mode, an automated score was calculated to assess if this variant is too frequent to cause the disease. Based on the score and internal cut-off values, a variant classified as benign is not then subjected to further curation. The score for this variant resulted in a classification of benign for this disease.

Ambry Genetics
Classification: Benign for Primary ciliary dyskinesia. Last evaluated: 2014-12-01. Review status: criteria provided, single submitter. Criteria: Ambry Variant Classification Scheme 2023. Collection method: clinical testing. Allele origin: germline.

Laboratory for Molecular Medicine, Mass General Brigham Personalized Medicine
Classification: Benign. Last evaluated: 2013-02-21. Review status: criteria provided, single submitter. Criteria: LMM Criteria. Collection method: clinical testing. Allele origin: germline. Observed: 61 variant alleles.
Comment: Gly24Glu in exon 2 of DNAH5: This variant is not expected to have clinical signi ficance because it has been identified in 43.7% (1926/4406) of African American chromosomes from a broad population by the NHLBI Exome Sequencing Project (dbSNP rs1530496).

Breakthrough Genomics
Classification: Benign. Review status: criteria provided, single submitter. Criteria: ACMG Guidelines, 2015. Collection method: not provided. Allele origin: germline. Inheritance: Autosomal recessive inheritance. Affected: yes.

PreventionGenetics, part of Exact Sciences
Classification: Benign. Review status: criteria provided, single submitter. Criteria: ACMG Guidelines, 2015. Collection method: clinical testing. Allele origin: germline.

Natera, Inc.
Classification: Benign for Primary ciliary dyskinesia. Last evaluated: 2020-09-16. Review status: no assertion criteria provided. Collection method: clinical testing. Allele origin: germline. Not counted in ClinVar's aggregate classification.

Clinical Genetics DNA and cytogenetics Diagnostics Lab, Erasmus MC, Erasmus Medical Center
Classification: Benign. Review status: no assertion criteria provided. Collection method: clinical testing. Allele origin: germline. Affected: yes. Study: VKGL Data-share Consensus. Not counted in ClinVar's aggregate classification.

Diagnostic Laboratory, Department of Genetics, University Medical Center Groningen
Classification: Benign. Review status: no assertion criteria provided. Collection method: clinical testing. Allele origin: germline. Affected: yes. Study: VKGL Data-share Consensus. Not counted in ClinVar's aggregate classification.

NM_001369.3(DNAH5):c.71G>A (p.Gly24Glu)

Gene: DNAH5 (dynein axonemal heavy chain 5; minus strand). Cytogenetic location: 5p15.2.
Variant type: single nucleotide variant.
Coding change: c.71G>A on transcript NM_001369.3 (MANE Select); coding-DNA position 71, G replaced by A.
Protein change: p.Gly24Glu; replaces glycine 24 with glutamic acid.
Molecular consequence: missense variant.
Genome position (GRCh38, 1-based): chr5:13,931,231, C>T on the plus strand (G>A on the coding strand, the complement: DNAH5 is on the minus strand). VCF-style: chr5-13931231-C-T. GRCh37 (hg19) VCF-style: chr5-13931340-C-T.
Other names: short protein forms G24E.
Identifiers: ClinVar variation 163159 (VCV000163159.36), dbSNP rs1530496, ClinGen allele CA175811.